The following is an entry in ClinVar:

ClinVar aggregate classification (germline): Uncertain significance. Review status: criteria provided, multiple submitters, no conflicts (2 of 4 stars). 2 submissions from 2 submitters: Uncertain significance (2). Last evaluated 2021-11-12.

Conditions:
Alstrom syndrome (ALMS). Identifiers: Orphanet 64, MedGen C0268425, MONDO:0008763, OMIM 203800.

gnomAD v4.1: 6 of 1,613,870 alleles (0.00037%); highest among the groups gnomAD compares: South Asian, 0.0011%; no homozygotes.

Submissions (2):

Fulgent Genetics
Classification: Uncertain significance for Alstrom syndrome. Last evaluated: 2021-11-12. Review status: criteria provided, single submitter. Criteria: ACMG Guidelines, 2015. Collection method: clinical testing. Allele origin: unknown.

Labcorp Genetics (formerly Invitae), Labcorp
Classification: Uncertain significance for Alstrom syndrome. Last evaluated: 2021-08-12. Review status: criteria provided, single submitter. Criteria: Invitae Variant Classification Sherloc (09022015). Collection method: clinical testing. Allele origin: germline.
Comment: In summary, the available evidence is currently insufficient to determine the role of this variant in disease. Therefore, it has been classified as a Variant of Uncertain Significance. Experimental studies and prediction algorithms are not available or were not evaluated, and the functional significance of this variant is currently unknown. This variant has not been reported in the literature in individuals affected with ALMS1-related conditions. This variant is present in population databases (rs577759803, ExAC 0.006%). This sequence change replaces asparagine with lysine at codon 3952 of the ALMS1 protein (p.Asn3952Lys). The asparagine residue is moderately conserved and there is a moderate physicochemical difference between asparagine and lysine.

NM_001378454.1(ALMS1):c.11853C>G (p.Asn3951Lys)

Gene: ALMS1 (ALMS1 centrosome and basal body associated protein; plus strand). Cytogenetic location: 2p13.1.
Variant type: single nucleotide variant.
Coding change: c.11853C>G on transcript NM_001378454.1 (MANE Select); coding-DNA position 11853, C replaced by G.
Protein change: p.Asn3951Lys; replaces asparagine 3951 with lysine.
Molecular consequence: missense variant.
Genome position (GRCh38, 1-based): chr2:73,600,862, C>G. VCF-style: chr2-73600862-C-G. GRCh37 (hg19) VCF-style: chr2-73827989-C-G.
Other names: c.11856C>G, p.Asn3952Lys (NM_015120.4); short protein forms N3951K, N3952K.
Identifiers: ClinVar variation 1431646 (VCV001431646.6), dbSNP rs577759803, ClinGen allele CA1715341.